The following is an entry in ClinVar:

ClinVar aggregate classification (germline): Benign/Likely benign. Review status: criteria provided, multiple submitters, no conflicts (2 of 4 stars). 3 submissions from 3 submitters: Benign (1); Likely benign (1). 1 of the submissions does not count toward it. Last evaluated 2025-10-04.

Conditions:
Congenital contractural arachnodactyly (CCA). Also called: BEALS SYNDROME; Arthrogryposis, distal, type 9; Beals-Hecht syndrome. Identifiers: Orphanet 115, MedGen C0220668, MONDO:0007363, OMIM 121050.
FBN2-related disorder. Also called: FBN2-related condition.

Allele frequency attached by ClinVar (database versions not stated): TOPMed 0.00001; ExAC 0.00002; gnomAD exomes 0.00002; gnomAD 0.00003; 1000 Genomes Project 30x 0.00016; 1000 Genomes Project 0.00020.

Submissions (3):

Labcorp Genetics (formerly Invitae), Labcorp
Classification: Benign for Congenital contractural arachnodactyly. Last evaluated: 2025-10-04. Review status: criteria provided, single submitter. Criteria: Invitae Variant Classification Sherloc (09022015). Collection method: clinical testing. Allele origin: germline.

Blueprint Genetics
Classification: Likely benign. Last evaluated: 2023-06-21. Review status: criteria provided, single submitter. Criteria: ACMG Guidelines, 2015. Collection method: clinical testing. Allele origin: germline.

PreventionGenetics, part of Exact Sciences
Classification: Likely benign for FBN2-related condition. Last evaluated: 2020-10-27. Review status: no assertion criteria provided. Collection method: clinical testing. Allele origin: germline. Not counted in ClinVar's aggregate classification.
Comment: This variant is classified as likely benign based on ACMG/AMP sequence variant interpretation guidelines (Richards et al. 2015 PMID: 25741868, with internal and published modifications).

NM_001999.4(FBN2):c.3321C>T (p.Asp1107=)

Gene: FBN2 (fibrillin 2; minus strand). Cytogenetic location: 5q23.3.
Variant type: single nucleotide variant.
Coding change: c.3321C>T on transcript NM_001999.4 (MANE Select); coding-DNA position 3321, C replaced by T.
Protein change: p.Asp1107=; no amino-acid change (aspartic acid 1107 retained).
Molecular consequence: synonymous variant.
Genome position (GRCh38, 1-based): chr5:128,344,407, G>A on the plus strand (C>T on the coding strand, the complement: FBN2 is on the minus strand). VCF-style: chr5-128344407-G-A. GRCh37 (hg19) VCF-style: chr5-127680099-G-A.
Other names: c.3321C>T (NM_001999.3).
Identifiers: ClinVar variation 2699486 (VCV002699486.6), dbSNP rs138618899, ClinGen allele CA3395271.